The following is an entry in ClinVar:

ClinVar aggregate classification (germline): Likely benign (1 of 4 stars; one submission).

Allele frequency attached by ClinVar (database versions not stated): ESP Exome Variant Server 0.00017; ExAC 0.00004.
gnomAD v4.1: 62 of 1,587,484 alleles (0.0039%); highest among the groups gnomAD compares: Middle Eastern, 0.05%; 7 homozygotes.

Submission:

CeGaT Center for Human Genetics Tuebingen
Classification: Likely benign. Last evaluated: 2023-07-01. Review status: criteria provided, single submitter. Criteria: CeGaT Center For Human Genetics Tuebingen Variant Classification Criteria Version 2. Collection method: clinical testing. Allele origin: germline. Affected: yes. Observed: 1 variant allele.
Comment: AHNAK2: BP4, BP7, BS2

NM_138420.4(AHNAK2):c.4770C>T (p.Asp1590=)

Gene: AHNAK2 (AHNAK nucleoprotein 2; minus strand). Cytogenetic location: 14q32.33.
Variant type: single nucleotide variant.
Coding change: c.4770C>T on transcript NM_138420.4 (MANE Select); coding-DNA position 4770, C replaced by T.
Protein change: p.Asp1590=; no amino-acid change (aspartic acid 1590 retained).
Molecular consequence: synonymous variant.
Genome position (GRCh38, 1-based): chr14:104,950,681, G>A on the plus strand (C>T on the coding strand, the complement: AHNAK2 is on the minus strand). VCF-style: chr14-104950681-G-A. GRCh37 (hg19) VCF-style: chr14-105417018-G-A.
Other names: c.4470C>T, p.Asp1490= (NM_001350929.2).
Identifiers: ClinVar variation 2644819 (VCV002644819.24), dbSNP rs372879704, ClinGen allele CA7382238.